The following is an entry in ClinVar:

ClinVar aggregate classification (germline): Pathogenic/Likely pathogenic. Review status: criteria provided, multiple submitters, no conflicts (2 of 4 stars). 3 submissions from 3 submitters: Pathogenic (1); Likely pathogenic (1). 1 of the submissions does not count toward it. Last evaluated 2021-12-03.

Conditions:
Familial thoracic aortic aneurysm and aortic dissection (TAAD). Also called: Thoracic aortic aneurysms and dissections. Identifiers: Orphanet 91387, MedGen C4707243, MONDO:0019625.
Ehlers-Danlos syndrome, type 4 (EDSVASC). Also called: Ehlers-Danlos syndrome vascular type; Ehlers Danlos syndrome, ecchymotic type; Ehlers Danlos syndrome, arterial type; Ehlers Danlos syndrome, Sack-Barabas type; Ehlers-Danlos Syndrome Type IV. Identifiers: Orphanet 286, MedGen C0268338, MONDO:0017314, OMIM 130050.

Submissions (3):

Labcorp Genetics (formerly Invitae), Labcorp
Classification: Likely pathogenic for Ehlers-Danlos syndrome, type 4. Last evaluated: 2021-12-03. Review status: criteria provided, single submitter. Criteria: Invitae Variant Classification Sherloc (09022015). Collection method: clinical testing. Allele origin: germline.
Comment: This variant is not present in population databases (gnomAD no frequency). In summary, the currently available evidence indicates that the variant is pathogenic, but additional data are needed to prove that conclusively. Therefore, this variant has been classified as Likely Pathogenic. This variant disrupts the triple helix domain of COL3A1. Glycine residues within the Gly-Xaa-Yaa repeats of the triple helix domain are required for the structure and stability of fibrillar collagens (PMID: 7695699, 8218237, 19344236). In COL3A1, variants that affect these glycine residues are significantly enriched in individuals with disease (PMID: 24922459, 25758994) compared to the general population (ExAC). Advanced modeling of protein sequence and biophysical properties (such as structural, functional, and spatial information, amino acid conservation, physicochemical variation, residue mobility, and thermodynamic stability) performed at Invitae indicates that this missense variant is expected to disrupt COL3A1 protein function. ClinVar contains an entry for this variant (Variation ID: 101351). This variant is also known as c.713G>A (p.G37D). This missense change has been observed in individual(s) with Ehlers-Danlos syndrome (PMID: 10923041). This sequence change replaces glycine, which is neutral and non-polar, with aspartic acid, which is acidic and polar, at codon 204 of the COL3A1 protein (p.Gly204Asp).

Ambry Genetics
Classification: Pathogenic for Familial thoracic aortic aneurysm and aortic dissection. Last evaluated: 2016-10-11. Review status: criteria provided, single submitter. Criteria: Ambry Variant Classification Scheme 2023. Collection method: clinical testing. Allele origin: germline.
Comment: The p.G204D pathogenic mutation (also known as c.611G>A), located in coding exon 7 of the COL3A1 gene, results from a G to A substitution at nucleotide position 611. The glycine at codon 204 is replaced by aspartic acid, an amino acid with similar properties. The majority (approximately two-thirds) of COL3A1 mutations identified to date have involved the substitution of another amino acid for glycine within the triple-helical domain (Schwarze U et al. Am J Hum Genet. 1997;61(6):1276-1286; Pepin MG et al. Genet Med. 2014;16(12):881-8). This particular mutation (with legacy nomenclature p.G37D) has been reported in individuals from Ehlers-Danlos syndrome type IV (vascular type) cohorts, and cultured skin fibroblasts from one of the patients were shown to secrete reduced levels of type III collagen (Giunta C et al. Hum. Mutat. 2000;16:176-7; Pepin MG et al. Genet. Med. 2014;16:881-8). Internal structural analysis indicates this alteration to be structurally deleterious, and a likely disease-causing variant, p.G204S, has been described in the same codon (Pepin M et al. N. Engl. J. Med. 2000;342:673-80). Based on the supporting evidence, this alteration is interpreted as a disease-causing mutation.

Collagen Diagnostic Laboratory, University of Washington
Classification: Pathogenic for Ehlers-Danlos syndrome, type 4. Review status: no assertion criteria provided. Collection method: clinical testing. Allele origin: germline. Affected: yes. Not counted in ClinVar's aggregate classification.

Literature cited by the submitters: PubMed 7695699 (cited by Labcorp Genetics (formerly Invitae), Labcorp); PubMed 8218237 (cited by Labcorp Genetics (formerly Invitae), Labcorp); PubMed 19344236 (cited by Labcorp Genetics (formerly Invitae), Labcorp); PubMed 24922459 (cited by Labcorp Genetics (formerly Invitae), Labcorp and Ambry Genetics); PubMed 25758994 (cited by Labcorp Genetics (formerly Invitae), Labcorp); PubMed 10923041 (cited by Labcorp Genetics (formerly Invitae), Labcorp and Ambry Genetics).

NM_000090.4(COL3A1):c.611G>A (p.Gly204Asp)

Gene: COL3A1 (collagen type III alpha 1 chain; plus strand). Cytogenetic location: 2q32.2.
Variant type: single nucleotide variant.
Coding change: c.611G>A on transcript NM_000090.4 (MANE Select); coding-DNA position 611, G replaced by A.
Protein change: p.Gly204Asp; replaces glycine 204 with aspartic acid.
Molecular consequence: missense variant.
Genome position (GRCh38, 1-based): chr2:188,988,618, G>A. VCF-style: chr2-188988618-G-A. GRCh37 (hg19) VCF-style: chr2-189853344-G-A.
Identifiers: ClinVar variation 101351 (VCV000101351.12), dbSNP rs587779626, ClinGen allele CA007139.